The following is an entry in ClinVar:

NM_032043.3(BRIP1):c.2720C>T (p.Ser907Phe)

Gene: BRIP1 (BRCA1 interacting DNA helicase 1; minus strand). Cytogenetic location: 17q23.2.
Variant type: single nucleotide variant.
Coding change: c.2720C>T on transcript NM_032043.3 (MANE Select); coding-DNA position 2720, C replaced by T.
Protein change: p.Ser907Phe; replaces serine 907 with phenylalanine.
Molecular consequence: missense variant.
Genome position (GRCh38, 1-based): chr17:61,686,021, G>A on the plus strand (C>T on the coding strand, the complement: BRIP1 is on the minus strand). VCF-style: chr17-61686021-G-A. GRCh37 (hg19) VCF-style: chr17-59763382-G-A.
Other names: short protein forms S907F.
Identifiers: ClinVar variation 953079 (VCV000953079.13), dbSNP rs2061357079, ClinGen allele CA400481664.

ClinVar aggregate classification (germline): Uncertain significance. Review status: criteria provided, multiple submitters, no conflicts (2 of 4 stars). 3 submissions from 3 submitters: Uncertain significance (3). Last evaluated 2025-05-31.

Conditions:
Familial cancer of breast. Also called: Hereditary breast cancer; hereditary breast carcinoma; BREAST CANCER, FAMILIAL. Identifiers: Orphanet 227535, MedGen C0346153, MONDO:0016419, OMIM 114480. Disease mechanism: loss of function.
Fanconi anemia complementation group J. Also called: BRIP1-Related Fanconi Anemia. Identifiers: Orphanet 84, MedGen C1836860, MONDO:0012187, OMIM 609054.
Hereditary cancer-predisposing syndrome. Also called: Hereditary neoplastic syndrome; Tumor predisposition; Neoplastic Syndromes, Hereditary; Hereditary Cancer Syndrome. Identifiers: Orphanet 140162, MedGen C0027672, MeSH D009386, MONDO:0015356.

Allele frequency attached by ClinVar (database versions not stated): gnomAD exomes below 0.00001.
gnomAD v4.1: 2 of 1,613,984 alleles (0.00012%); highest among the groups gnomAD compares: Non-Finnish European, 0.00017%; no homozygotes.

Submissions (3):

Ambry Genetics
Classification: Uncertain significance for Hereditary cancer-predisposing syndrome. Last evaluated: 2025-05-31. Review status: criteria provided, single submitter. Criteria: Ambry Variant Classification Scheme 2023. Collection method: clinical testing. Allele origin: germline.
Comment: The p.S907F variant (also known as c.2720C>T), located in coding exon 18 of the BRIP1 gene, results from a C to T substitution at nucleotide position 2720. The serine at codon 907 is replaced by phenylalanine, an amino acid with highly dissimilar properties. This amino acid position is not well conserved in available vertebrate species. In addition, this alteration is predicted to be tolerated by in silico analysis. Since supporting evidence is limited at this time, the clinical significance of this alteration remains unclear.

Labcorp Genetics (formerly Invitae), Labcorp
Classification: Uncertain significance for Familial cancer of breast; Fanconi anemia complementation group J. Last evaluated: 2024-04-15. Review status: criteria provided, single submitter. Criteria: Invitae Variant Classification Sherloc (09022015). Collection method: clinical testing. Allele origin: germline.
Comment: This sequence change replaces serine, which is neutral and polar, with phenylalanine, which is neutral and non-polar, at codon 907 of the BRIP1 protein (p.Ser907Phe). This variant is not present in population databases (gnomAD no frequency). This variant has not been reported in the literature in individuals affected with BRIP1-related conditions. ClinVar contains an entry for this variant (Variation ID: 953079). Advanced modeling of protein sequence and biophysical properties (such as structural, functional, and spatial information, amino acid conservation, physicochemical variation, residue mobility, and thermodynamic stability) performed at Invitae indicates that this missense variant is not expected to disrupt BRIP1 protein function with a negative predictive value of 80%. In summary, the available evidence is currently insufficient to determine the role of this variant in disease. Therefore, it has been classified as a Variant of Uncertain Significance.

GeneDx
Classification: Uncertain significance. Last evaluated: 2022-06-24. Review status: criteria provided, single submitter. Criteria: GeneDx Variant Classification Process June 2021. Collection method: clinical testing. Allele origin: germline. Affected: yes.
Comment: Not observed at significant frequency in large population cohorts (gnomAD); In silico analysis supports that this missense variant does not alter protein structure/function; Has not been previously published as pathogenic or benign to our knowledge; This variant is associated with the following publications: (PMID: 11301010)